The following is an entry in ClinVar:

NM_005216.5(DDOST):c.1210T>C (p.Phe404Leu)

Gene: DDOST (dolichyl-diphosphooligosaccharide--protein glycosyltransferase non-catalytic subunit; minus strand). Cytogenetic location: 1p36.12.
Variant type: single nucleotide variant.
Coding change: c.1210T>C on transcript NM_005216.5 (MANE Select); coding-DNA position 1210, T replaced by C.
Protein change: p.Phe404Leu; replaces phenylalanine 404 with leucine.
Molecular consequence: missense variant.
Genome position (GRCh38, 1-based): chr1:20,652,489, A>G on the plus strand (T>C on the coding strand, the complement: DDOST is on the minus strand). VCF-style: chr1-20652489-A-G. GRCh37 (hg19) VCF-style: chr1-20978982-A-G.
Other names: c.1261T>C (NM_005216.4); short protein forms F404L.
Identifiers: ClinVar variation 1955756 (VCV001955756.6), dbSNP rs769192887, ClinGen allele CA660988.
Genomic context (GRCh38, chr1:20,652,489, plus strand): 5'-TGAAGAGCCCCAGCATCATGGAGAAGGCGCTGGCGTAGTAGGGGTAGGCCGAGGGGATGA[A>G]GCGCTCATACTGCGTGTGCTGGAGTGGCCGCACGGATACCTGCAGGAGGACAGAGGTGGC-3'
Protein context (NP_005207.3, residues 394-414): RPLQHTQYER[Phe404Leu]IPSAYPYYAS

ClinVar aggregate classification (germline): Uncertain significance. Review status: criteria provided, multiple submitters, no conflicts (2 of 4 stars). 2 submissions from 2 submitters: Uncertain significance (2). Last evaluated 2024-09-25.

Conditions:
Congenital disorder of glycosylation type Ir (CDG1R). Also called: DDOST-congenital disorder of glycosylation. Identifiers: Orphanet 300536, MedGen C3281084, MONDO:0013789, OMIM 614507.

Allele frequency attached by ClinVar (database versions not stated): ExAC 0.00001; gnomAD 0.00001.
gnomAD v4.1: 1 of 1,613,884 alleles (0.000062%); highest among the groups gnomAD compares: Non-Finnish European, 0.000085%; no homozygotes.

Submissions (2):

Ambry Genetics
Classification: Uncertain significance. Last evaluated: 2024-09-25. Review status: criteria provided, single submitter. Criteria: Ambry Variant Classification Scheme 2023. Collection method: clinical testing. Allele origin: germline.

Labcorp Genetics (formerly Invitae), Labcorp
Classification: Uncertain significance for Congenital disorder of glycosylation type Ir. Last evaluated: 2022-04-08. Review status: criteria provided, single submitter. Criteria: Invitae Variant Classification Sherloc (09022015). Collection method: clinical testing. Allele origin: germline.
Comment: In summary, the available evidence is currently insufficient to determine the role of this variant in disease. Therefore, it has been classified as a Variant of Uncertain Significance. Algorithms developed to predict the effect of missense changes on protein structure and function are either unavailable or do not agree on the potential impact of this missense change (SIFT: "Deleterious"; PolyPhen-2: "Possibly Damaging"; Align-GVGD: "Class C0"). This variant has not been reported in the literature in individuals affected with DDOST-related conditions. This variant is not present in population databases (gnomAD no frequency). This sequence change replaces phenylalanine, which is neutral and non-polar, with leucine, which is neutral and non-polar, at codon 421 of the DDOST protein (p.Phe421Leu).